The following is an entry in ClinVar:

NM_000257.4(MYH7):c.5467G>C (p.Glu1823Gln)

Gene: MYH7 (myosin heavy chain 7; minus strand). Cytogenetic location: 14q11.2.
Variant type: single nucleotide variant.
Coding change: c.5467G>C on transcript NM_000257.4 (MANE Select); coding-DNA position 5467, G replaced by C.
Protein change: p.Glu1823Gln; replaces glutamic acid 1823 with glutamine.
Molecular consequence: missense variant.
Genome position (GRCh38, 1-based): chr14:23,415,087, C>G on the plus strand (G>C on the coding strand, the complement: MYH7 is on the minus strand). VCF-style: chr14-23415087-C-G. GRCh37 (hg19) VCF-style: chr14-23884296-C-G.
Other names: short protein forms E1823Q.
Identifiers: ClinVar variation 1035181 (VCV001035181.10), dbSNP rs777147645, ClinGen allele CA046860.

ClinVar aggregate classification (germline): Uncertain significance. Review status: criteria provided, multiple submitters, no conflicts (2 of 4 stars). 3 submissions from 3 submitters: Uncertain significance (3). Last evaluated 2025-11-07.

Conditions:
Cardiovascular phenotype. Identifiers: MedGen CN230736.
Hypertrophic cardiomyopathy. Also called: HYPERTROPHIC MYOCARDIOPATHY. Identifiers: Orphanet 217569, MedGen C0007194, MeSH D002312, MONDO:0005045, HP:0001639.

Allele frequency attached by ClinVar (database versions not stated): ExAC 0.00001; gnomAD exomes 0.00002.

Submissions (3):

Ambry Genetics
Classification: Uncertain significance for Cardiovascular phenotype. Last evaluated: 2025-11-07. Review status: criteria provided, single submitter. Criteria: Ambry Variant Classification Scheme 2023. Collection method: clinical testing. Allele origin: germline.
Comment: The p.E1823Q variant (also known as c.5467G>C), located in coding exon 35 of the MYH7 gene, results from a G to C substitution at nucleotide position 5467. The glutamic acid at codon 1823 is replaced by glutamine, an amino acid with highly similar properties. This amino acid position is well conserved in available vertebrate species. In addition, the in silico prediction for this alteration is inconclusive. Based on the available evidence, the clinical significance of this variant remains unclear.

Labcorp Genetics (formerly Invitae), Labcorp
Classification: Uncertain significance for Hypertrophic cardiomyopathy. Last evaluated: 2020-03-11. Review status: criteria provided, single submitter. Criteria: Invitae Variant Classification Sherloc (09022015). Collection method: clinical testing. Allele origin: germline.
Comment: This sequence change replaces glutamic acid with glutamine at codon 1823 of the MYH7 protein (p.Glu1823Gln). The glutamic acid residue is highly conserved and there is a small physicochemical difference between glutamic acid and glutamine. In summary, the available evidence is currently insufficient to determine the role of this variant in disease. Therefore, it has been classified as a Variant of Uncertain Significance. Algorithms developed to predict the effect of missense changes on protein structure and function are either unavailable or do not agree on the potential impact of this missense change (SIFT: "Deleterious"; PolyPhen-2: "Possibly Damaging"; Align-GVGD: "Class C0"). This variant has been observed in individual(s) with clinical features of hypertrophic cardiomyopathy (Invitae). This variant is present in population databases (rs777147645, ExAC 0.001%).

Blueprint Genetics
Classification: Uncertain significance. Last evaluated: 2018-10-30. Review status: criteria provided, single submitter. Criteria: ACMG Guidelines, 2015. Collection method: clinical testing. Allele origin: germline.